The following is an entry in ClinVar:

ClinVar aggregate classification (germline): Pathogenic (1 of 4 stars; one submission).

Submission:

Labcorp Genetics (formerly Invitae), Labcorp
Classification: Pathogenic. Last evaluated: 2024-07-23. Review status: criteria provided, single submitter. Criteria: Invitae Variant Classification Sherloc (09022015). Collection method: clinical testing. Allele origin: germline.
Comment: This sequence change creates a premature translational stop signal (p.Thr227Asnfs*29) in the LMX1B gene. It is expected to result in an absent or disrupted protein product. Loss-of-function variants in LMX1B are known to be pathogenic (PMID: 9590287, 15498463). This variant is not present in population databases (gnomAD no frequency). This variant has not been reported in the literature in individuals affected with LMX1B-related conditions. For these reasons, this variant has been classified as Pathogenic.

Literature cited by the submitters: PubMed 9590287; PubMed 15498463.

NM_001174147.2(LMX1B):c.679dup (p.Thr227fs)

Gene: LMX1B (LIM homeobox transcription factor 1 beta; plus strand). Cytogenetic location: 9q33.3.
Variant type: Duplication.
Coding change: c.679dup on transcript NM_001174147.2 (MANE Select); coding-DNA position 679, one base duplicated (A; older notation c.679dupA).
Protein change: p.Thr227fs; shifts the reading frame from threonine 227.
Molecular consequence: frameshift variant.
Genome position (GRCh38, 1-based): chr9:126,693,261, A duplicated. VCF-style (leftmost placement, unchanged base first): chr9-126693260-C-CA. GRCh37 (hg19) VCF-style: chr9-129455539-C-CA.
Other names: c.679dup, p.Thr227fs (NM_001174146.2, NM_002316.4); short protein forms T227fs.
Identifiers: ClinVar variation 3660378 (VCV003660378.2).